The following is an entry in ClinVar:

NM_003119.4(SPG7):c.*33C>T

Gene: SPG7 (SPG7 matrix AAA peptidase subunit, paraplegin; plus strand). Cytogenetic location: 16q24.3.
Variant type: single nucleotide variant.
Coding change: c.*33C>T on transcript NM_003119.4 (MANE Select); 33 bases downstream of the stop codon, C replaced by T.
Molecular consequence: 3 prime UTR variant.
Genome position (GRCh38, 1-based): chr16:89,557,126, C>T. VCF-style: chr16-89557126-C-T. GRCh37 (hg19) VCF-style: chr16-89623534-C-T.
Other names: c.*199C>T (NM_001363850.1).
Identifiers: ClinVar variation 321290 (VCV000321290.9), dbSNP rs60711430, ClinGen allele CA8244676.

ClinVar aggregate classification (germline): Benign. Review status: criteria provided, multiple submitters, no conflicts (2 of 4 stars). 3 submissions from 3 submitters: Benign (3). Last evaluated 2018-06-14.

Conditions:
Hereditary spastic paraplegia 7 (SPG7). Also called: SPG7-related neurologic disorder; Autosomal recessive spastic paraplegia type 7; SPASTIC PARAPLEGIA 7, AUTOSOMAL RECESSIVE, WITH OR WITHOUT CEREBELLAR ATAXIA; Spastic paraplegia 7; Hereditary spastic paraplegia Paraplegin type. Identifiers: Orphanet 99013, MedGen C1846564, MONDO:0011803, OMIM 607259.

Allele frequency attached by ClinVar (database versions not stated): gnomAD exomes 0.00919; ExAC 0.01259; gnomAD 0.03584 and 0.03853; 1000 Genomes Project 0.03634; 1000 Genomes Project 30x 0.03763; TOPMed 0.04113; ESP Exome Variant Server 0.04176.
gnomAD v4.1: 11,485 of 1,581,660 alleles (0.73%); highest among the groups gnomAD compares: African/African-American, 13%; 630 homozygotes.

Submissions (3):

GeneDx
Classification: Benign. Last evaluated: 2018-06-14. Review status: criteria provided, single submitter. Criteria: GeneDx Variant Classification Process June 2021. Collection method: clinical testing. Allele origin: germline. Affected: yes.

Illumina Laboratory Services, Illumina
Classification: Benign for Hereditary spastic paraplegia 7. Last evaluated: 2018-01-13. Review status: criteria provided, single submitter. Criteria: ICSL Variant Classification Criteria 13 December 2019. Collection method: clinical testing. Allele origin: germline.
Comment: This variant was observed in the ICSL laboratory as part of a predisposition screen in an ostensibly healthy population. It had not been previously curated by ICSL or reported in the Human Gene Mutation Database (HGMD: prior to June 1st, 2018), and was therefore a candidate for classification through an automated scoring system. Utilizing variant allele frequency, disease prevalence and penetrance estimates, and inheritance mode, an automated score was calculated to assess if this variant is too frequent to cause the disease. Based on the score and internal cut-off values, a variant classified as benign is not then subjected to further curation. The score for this variant resulted in a classification of benign for this disease.

Breakthrough Genomics
Classification: Benign. Review status: criteria provided, single submitter. Criteria: ACMG Guidelines, 2015. Collection method: not provided. Allele origin: germline. Inheritance: Autosomal recessive inheritance. Affected: yes.